The following is an entry in ClinVar:

NC_000003.12:g.(?_93879163)_(93879314_?)del

Gene: PROS1 (protein S; minus strand). Cytogenetic location: 3q11.1.
Variant type: Deletion.
Identifiers: ClinVar variation 417527 (VCV000417527.1).

ClinVar aggregate classification (germline): Pathogenic (1 of 4 stars; one submission).

Conditions:
Thrombophilia due to protein S deficiency, autosomal recessive (THPH6). Identifiers: Orphanet 743, MedGen C3281092, MONDO:0013791, OMIM 614514. Disease mechanism: loss of function.

Submission:

Labcorp Genetics (formerly Invitae), Labcorp
Classification: Pathogenic for Thrombophilia due to protein S deficiency, autosomal recessive. Last evaluated: 2016-06-11. Review status: criteria provided, single submitter. Criteria: Invitae Variant Classification Sherloc (09022015). Collection method: clinical testing. Allele origin: germline.
Comment: This variant is a gross deletion of the genomic region encompassing exon 13 of the PROS1 gene. This creates a premature translational stop signal and is expected to result in an absent or disrupted protein product. Truncating variants in PROS1 are known to be pathogenic. A similar deletion of exon 13 has been reported in the literature in two families with protein S deficiency (PMID: 1671337). For these reasons, this variant has been classified as Pathogenic.